The following is an entry in ClinVar:

NM_001318895.3(FHL2):c.298A>G (p.Lys100Glu)

Genes: C2orf49 (chromosome 2 open reading frame 49; plus strand), FHL2 (four and a half LIM domains 2; minus strand). Cytogenetic location: 2q12.2.
Variant type: single nucleotide variant.
Coding change: c.298A>G on transcript NM_001318895.3 (MANE Select); coding-DNA position 298, A replaced by G.
Protein change: p.Lys100Glu; replaces lysine 100 with glutamic acid.
Molecular consequence: missense variant. On other transcripts: 5 prime UTR variant (1), intron variant (2).
Genome position (GRCh38, 1-based): chr2:105,373,592, T>C on the plus strand (A>G on the coding strand, the complement: FHL2 is on the minus strand). VCF-style: chr2-105373592-T-C. GRCh37 (hg19) VCF-style: chr2-105990049-T-C.
Other names: c.298A>G, p.Lys100Glu (NM_001039492.3, NM_001318894.1, NM_001318896.2 and 4 more transcripts); c.-27A>G (NM_001318899.2); c.-11-5853A>G (NM_001318897.2, NM_001318898.2); short protein forms K100E.
Identifiers: ClinVar variation 4810410 (VCV004810410.1).

ClinVar aggregate classification (germline): Uncertain significance (1 of 4 stars; one submission).

Conditions:
Primary dilated cardiomyopathy (DCM). Also called: Dilated Cardiomyopathy. Identifiers: Orphanet 217604, MedGen C0007193, MeSH D002311, MONDO:0005021, HP:0001644. Inheritance: Various modes of inheritance.

gnomAD v4.1: 4 of 1,614,094 alleles (0.00025%); highest among the groups gnomAD compares: Non-Finnish European, 0.00025%; no homozygotes.

Submission:

Labcorp Genetics (formerly Invitae), Labcorp
Classification: Uncertain significance for Primary dilated cardiomyopathy. Last evaluated: 2025-12-19. Review status: criteria provided, single submitter. Criteria: Invitae Variant Classification Sherloc (09022015). Collection method: clinical testing. Allele origin: germline.
Comment: This sequence change replaces lysine, which is basic and polar, with glutamic acid, which is acidic and polar, at codon 100 of the FHL2 protein (p.Lys100Glu). This variant is present in population databases (no rsID available, gnomAD 0.01%). This variant has not been reported in the literature in individuals affected with FHL2-related conditions. Invitae Evidence Modeling of protein sequence and biophysical properties (such as structural, functional, and spatial information, amino acid conservation, physicochemical variation, residue mobility, and thermodynamic stability) indicates that this missense variant is not expected to disrupt FHL2 protein function with a negative predictive value of 80%. In summary, the available evidence is currently insufficient to determine the role of this variant in disease. Therefore, it has been classified as a Variant of Uncertain Significance.